The following is an entry in ClinVar:

ClinVar aggregate classification (germline): Uncertain significance (1 of 4 stars; one submission).

gnomAD v4.1: 2 of 1,613,974 alleles (0.00012%); highest among the groups gnomAD compares: Non-Finnish European, 0.00017%; no homozygotes.

Submission:

GeneDx
Classification: Uncertain significance. Last evaluated: 2024-08-05. Review status: criteria provided, single submitter. Criteria: GeneDx Variant Classification Process June 2021. Collection method: clinical testing. Allele origin: germline. Affected: yes.
Comment: Not observed at significant frequency in large population cohorts (gnomAD); In silico analysis supports that this missense variant has a deleterious effect on protein structure/function; Has not been previously published as pathogenic or benign to our knowledge

NM_000350.3(ABCA4):c.4232G>A (p.Gly1411Glu)

Gene: ABCA4 (ATP binding cassette subfamily A member 4; minus strand). Cytogenetic location: 1p22.1.
Variant type: single nucleotide variant.
Coding change: c.4232G>A on transcript NM_000350.3 (MANE Select); coding-DNA position 4232, G replaced by A.
Protein change: p.Gly1411Glu; replaces glycine 1411 with glutamic acid.
Molecular consequence: missense variant.
Genome position (GRCh38, 1-based): chr1:94,031,017, C>T on the plus strand (G>A on the coding strand, the complement: ABCA4 is on the minus strand). VCF-style: chr1-94031017-C-T. GRCh37 (hg19) VCF-style: chr1-94496573-C-T.
Other names: c.4010G>A, p.Gly1337Glu (NM_001425324.1); short protein forms G1337E, G1411E.
Identifiers: ClinVar variation 3603134 (VCV003603134.1).